The following is an entry in ClinVar:

ClinVar aggregate classification (germline): Uncertain significance (1 of 4 stars; one submission).

gnomAD v4.1: 4 of 1,613,832 alleles (0.00025%); highest among the groups gnomAD compares: African/African-American, 0.004%; no homozygotes.

Submission:

Labcorp Genetics (formerly Invitae), Labcorp
Classification: Uncertain significance. Last evaluated: 2022-07-25. Review status: criteria provided, single submitter. Criteria: Invitae Variant Classification Sherloc (09022015). Collection method: clinical testing. Allele origin: germline.
Comment: This sequence change replaces valine, which is neutral and non-polar, with leucine, which is neutral and non-polar, at codon 753 of the MTHFD1 protein (p.Val753Leu). This variant is not present in population databases (gnomAD no frequency). This variant has not been reported in the literature in individuals affected with MTHFD1-related conditions. Algorithms developed to predict the effect of missense changes on protein structure and function are either unavailable or do not agree on the potential impact of this missense change (SIFT: "Deleterious"; PolyPhen-2: "Benign"; Align-GVGD: "Class C0"). In summary, the available evidence is currently insufficient to determine the role of this variant in disease. Therefore, it has been classified as a Variant of Uncertain Significance.

NM_005956.4(MTHFD1):c.2257G>T (p.Val753Leu)

Gene: MTHFD1 (methylenetetrahydrofolate dehydrogenase, cyclohydrolase and formyltetrahydrofolate synthetase 1; plus strand). Cytogenetic location: 14q23.3.
Variant type: single nucleotide variant.
Coding change: c.2257G>T on transcript NM_005956.4 (MANE Select); coding-DNA position 2257, G replaced by T.
Protein change: p.Val753Leu; replaces valine 753 with leucine.
Molecular consequence: missense variant.
Genome position (GRCh38, 1-based): chr14:64,448,295, G>T. VCF-style: chr14-64448295-G-T. GRCh37 (hg19) VCF-style: chr14-64915013-G-T.
Other names: c.2257G>T, p.Val753Leu (NM_001364837.1); short protein forms V753L.
Identifiers: ClinVar variation 1961248 (VCV001961248.2), dbSNP rs770319362, ClinGen allele CA390001699.
Genomic context (GRCh38, chr14:64,448,295, plus strand): 5'-AAAGGCTTCAGTAACTTGAAGAAACAAATTGAAAATGCCAGAATGTTTGGAATTCCAGTA[G>T]TAGTGGCCGTGAATGCATTCAAGTAAGTGTAGAGTGTAAGCGAAAAGGATGAATGTGGAA-3'
Protein context (NP_005947.3, residues 743-763): ENARMFGIPV[Val753Leu]VAVNAFKTDT